The following is an entry in ClinVar:

ClinVar aggregate classification (germline): Likely pathogenic (1 of 4 stars; one submission).

Conditions:
Cardiovascular phenotype. Identifiers: MedGen CN230736.

Submission:

Ambry Genetics
Classification: Likely pathogenic for Cardiovascular phenotype. Last evaluated: 2024-03-11. Review status: criteria provided, single submitter. Criteria: Ambry Variant Classification Scheme 2023. Collection method: clinical testing. Allele origin: germline.
Comment: The c.39398delC variant, located in coding exon 143 of the TTN gene, results from a deletion of one nucleotide at nucleotide position 39398, causing a translational frameshift with a predicted alternate stop codon (p.A13133Vfs*7). This exon is located in the A-band region of the N2-B isoform of the titin protein and is constitutively expressed in TTN transcripts (percent spliced in or PSI 100%). This variant is considered to be rare based on population cohorts in the Genome Aggregation Database (gnomAD). This alteration is expected to result in loss of function by premature protein truncation or nonsense-mediated mRNA decay. While truncating variants in TTN are present in 1-3% of the general population, truncating variants in the A-band are the most common cause of dilated cardiomyopathy (DCM) (Herman DS et al. N. Engl. J. Med., 2012 Feb;366:619-28; Roberts AM et al. Sci Transl Med, 2015 Jan;7:270ra6). TTN truncating variants encoded in constitutive exons (PSI >90%) have been found to be significantly associated with DCM regardless of their position in titin (Schafer S et al. Nat. Genet., 2017 01;49:46-53). Based on the majority of available evidence to date, this variant is likely to be pathogenic.

NM_001267550.2(TTN):c.66593del (p.Ala22198fs)

Genes: TTN (titin; minus strand), TTN-AS1 (TTN antisense RNA 1; plus strand). Cytogenetic location: 2q31.2.
Variant type: Deletion.
Coding change: c.66593del on transcript NM_001267550.2 (MANE Select); coding-DNA position 66593, one base deleted (C; older notation c.66593delC).
Protein change: p.Ala22198fs; shifts the reading frame from alanine 22198.
Molecular consequence: frameshift variant.
Genome position (GRCh38, 1-based): chr2:178,581,675, G deleted on the plus strand (C on the coding strand, the reverse complement: TTN is on the minus strand). VCF-style (leftmost placement, unchanged base first): chr2-178581674-AG-A. GRCh37 (hg19) VCF-style: chr2-179446401-AG-A.
Other names: c.61670del, p.Ala20557fs (NM_001256850.1); c.39398del, p.Ala13133fs (NM_003319.4); c.58889del, p.Ala19630fs (NM_133378.4); c.39773del, p.Ala13258fs (NM_133432.3); c.39974del, p.Ala13325fs (NM_133437.4); c.39398delC (NM_003319.4); short protein forms A13133fs, A13258fs, A13325fs, A19630fs, A20557fs, A22198fs.
Identifiers: ClinVar variation 3223259 (VCV003223259.1), dbSNP rs2468991750, ClinGen allele CA2825001028.